The following is an entry in ClinVar:

NM_000329.3(RPE65):c.434C>T (p.Ala145Val)

Gene: RPE65 (retinoid isomerohydrolase RPE65; minus strand). Cytogenetic location: 1p31.3.
Variant type: single nucleotide variant.
Coding change: c.434C>T on transcript NM_000329.3 (MANE Select); coding-DNA position 434, C replaced by T.
Protein change: p.Ala145Val; replaces alanine 145 with valine.
Molecular consequence: missense variant.
Genome position (GRCh38, 1-based): chr1:68,444,592, G>A on the plus strand (C>T on the coding strand, the complement: RPE65 is on the minus strand). VCF-style: chr1-68444592-G-A. GRCh37 (hg19) VCF-style: chr1-68910275-G-A.
Other names: c.326C>T, p.Ala109Val (NM_001406853.1); c.158C>T, p.Ala53Val (NM_001406856.1, NM_001406857.1); c.434C>T, p.Ala145Val (NM_001406859.1, NM_001406860.1); short protein forms A109V, A53V, A145V.
Identifiers: ClinVar variation 2950329 (VCV002950329.3), dbSNP rs2523444526, ClinGen allele CA340747751.
Genomic context (GRCh38, chr1:68,444,592, plus strand): 5'-TGCTTAATTGTCTCCAAGGTCTCTGGATTAATCTTTGTAATAAAGTTGGTCTCTGTGCAA[G>A]CGTAGTAATCTTCCCCCACTGGGTAGACATTAACAAGGGCATTGTCAGTAACCTCTACTC-3'
Protein context (NP_000320.1, residues 135-155): NVYPVGEDYY[Ala145Val]CTETNFITKI

ClinVar aggregate classification (germline): Uncertain significance (1 of 4 stars; one submission).

Conditions:
Leber congenital amaurosis 2 (LCA2). Also called: AMAUROSIS CONGENITA OF LEBER II; Autosomal Recessive RPE65-Related Retinal Degeneration. Identifiers: Orphanet 65, MedGen C1859844, MONDO:0008765, OMIM 204100. Disease mechanism: loss of function.
Retinitis pigmentosa 20 (RP20). Identifiers: Orphanet 791, MedGen C3151086, MONDO:0013425, OMIM 613794.

Submission:

Labcorp Genetics (formerly Invitae), Labcorp
Classification: Uncertain significance for Leber congenital amaurosis 2; Retinitis pigmentosa 20. Last evaluated: 2023-11-17. Review status: criteria provided, single submitter. Criteria: Invitae Variant Classification Sherloc (09022015). Collection method: clinical testing. Allele origin: germline.
Comment: This sequence change replaces alanine, which is neutral and non-polar, with valine, which is neutral and non-polar, at codon 145 of the RPE65 protein (p.Ala145Val). This variant is not present in population databases (gnomAD no frequency). This variant has not been reported in the literature in individuals affected with RPE65-related conditions. Advanced modeling of protein sequence and biophysical properties (such as structural, functional, and spatial information, amino acid conservation, physicochemical variation, residue mobility, and thermodynamic stability) performed at Invitae indicates that this missense variant is not expected to disrupt RPE65 protein function with a negative predictive value of 80%. This variant disrupts the p.Ala145 amino acid residue in RPE65. Other variant(s) that disrupt this residue have been determined to be pathogenic (PMID: 23661369, 31273949). This suggests that this residue is clinically significant, and that variants that disrupt this residue are likely to be disease-causing. In summary, the available evidence is currently insufficient to determine the role of this variant in disease. Therefore, it has been classified as a Variant of Uncertain Significance.

Literature cited by the submitters: PubMed 23661369; PubMed 31273949.